The following is an entry in ClinVar:

ClinVar aggregate classification (germline): Uncertain significance (1 of 4 stars; one submission).

Conditions:
Neuropathy, hereditary sensory and autonomic, type 2A (HSAN2A). Also called: HSAN IIA; ACROOSTEOLYSIS, GIACCAI TYPE; ACROOSTEOLYSIS, NEUROGENIC; MORVAN DISEASE; NEUROPATHY, CONGENITAL SENSORY; NEUROPATHY, HEREDITARY SENSORY RADICULAR, AUTOSOMAL RECESSIVE. Identifiers: Orphanet 970, MedGen C2752089, MONDO:0024309, OMIM 201300.
Generalized epilepsy with febrile seizures plus, type 7 (GEFSP7). Also called: GEFS+, TYPE 7. Identifiers: Orphanet 36387, MedGen C2751778, MONDO:0013470, OMIM 613863.

Submission:

Labcorp Genetics (formerly Invitae), Labcorp
Classification: Uncertain significance for Neuropathy, hereditary sensory and autonomic, type 2A; Generalized epilepsy with febrile seizures plus, type 7. Last evaluated: 2024-06-11. Review status: criteria provided, single submitter. Criteria: Invitae Variant Classification Sherloc (09022015). Collection method: clinical testing. Allele origin: germline.
Comment: This sequence change replaces isoleucine, which is neutral and non-polar, with leucine, which is neutral and non-polar, at codon 225 of the SCN9A protein (p.Ile225Leu). This variant is not present in population databases (gnomAD no frequency). This missense change has been observed in individual(s) with SCN9A-related conditions (PMID: 33278787). Advanced modeling of protein sequence and biophysical properties (such as structural, functional, and spatial information, amino acid conservation, physicochemical variation, residue mobility, and thermodynamic stability) has been performed at Invitae for this missense variant, however the output from this modeling did not meet the statistical confidence thresholds required to predict the impact of this variant on SCN9A protein function. In summary, the available evidence is currently insufficient to determine the role of this variant in disease. Therefore, it has been classified as a Variant of Uncertain Significance.

Literature cited by the submitters: PubMed 33278787.

NM_001365536.1(SCN9A):c.673A>C (p.Ile225Leu)

Gene: SCN9A (sodium voltage-gated channel alpha subunit 9; minus strand). Cytogenetic location: 2q24.3.
Variant type: single nucleotide variant.
Coding change: c.673A>C on transcript NM_001365536.1 (MANE Select); coding-DNA position 673, A replaced by C.
Protein change: p.Ile225Leu; replaces isoleucine 225 with leucine.
Molecular consequence: missense variant.
Genome position (GRCh38, 1-based): chr2:166,304,253, T>G on the plus strand (A>C on the coding strand, the complement: SCN9A is on the minus strand). VCF-style: chr2-166304253-T-G. GRCh37 (hg19) VCF-style: chr2-167160763-T-G.
Other names: c.673A>C, p.Ile225Leu (NM_002977.4); short protein forms I225L.
Identifiers: ClinVar variation 3761522 (VCV003761522.2).